The following is an entry in ClinVar:

ClinVar aggregate classification (germline): Likely benign. Review status: criteria provided, multiple submitters, no conflicts (2 of 4 stars). 2 submissions from 2 submitters: Likely benign (2). Last evaluated 2025-11-01.

Allele frequency attached by ClinVar (database versions not stated): TOPMed 0.00002; ExAC 0.00003.
gnomAD v4.1: 6 of 1,611,334 alleles (0.00037%); highest among the groups gnomAD compares: Admixed American, 0.01%; no homozygotes.

Submissions (2):

CeGaT Center for Human Genetics Tuebingen
Classification: Likely benign. Last evaluated: 2025-11-01. Review status: criteria provided, single submitter. Criteria: CeGaT Center For Human Genetics Tuebingen Variant Classification Criteria Version 2. Collection method: clinical testing. Allele origin: germline. Affected: yes. Observed: 1 variant allele.
Comment: INPPL1: BP4, BP7

Labcorp Genetics (formerly Invitae), Labcorp
Classification: Likely benign. Last evaluated: 2025-03-17. Review status: criteria provided, single submitter. Criteria: Invitae Variant Classification Sherloc (09022015). Collection method: clinical testing. Allele origin: germline.

NM_001567.4(INPPL1):c.3708G>A (p.Leu1236=)

Gene: INPPL1 (inositol polyphosphate phosphatase like 1; plus strand). Cytogenetic location: 11q13.4.
Variant type: single nucleotide variant.
Coding change: c.3708G>A on transcript NM_001567.4 (MANE Select); coding-DNA position 3708, G replaced by A.
Protein change: p.Leu1236=; no amino-acid change (leucine 1236 retained).
Molecular consequence: synonymous variant.
Genome position (GRCh38, 1-based): chr11:72,238,284, G>A. VCF-style: chr11-72238284-G-A. GRCh37 (hg19) VCF-style: chr11-71949328-G-A.
Identifiers: ClinVar variation 3023685 (VCV003023685.9), dbSNP rs761593179, ClinGen allele CA6170762.
Genomic context (GRCh38, chr11:72,238,284, plus strand): 5'-CCTTGCCCATCTCACTTCCCAGCCTGTTTTACTCCACAGTGACATCACCGAGGAGGACTT[G>A]GAGGAGGCTGGGGTGCAGGACCCGGCTCACAAGCGCCTCCTTCTGGACACCCTGCAGCTC-3'
Protein context (NP_001558.3, residues 1226-1246): EFLSDITEED[Leu1236=]EEAGVQDPAH